The following is an entry in ClinVar:

NM_182919.4(TICAM1):c.345C>T (p.Asp115=)

Gene: TICAM1 (TIR domain containing adaptor molecule 1; minus strand). Cytogenetic location: 19p13.3.
Variant type: single nucleotide variant.
Coding change: c.345C>T on transcript NM_182919.4 (MANE Select); coding-DNA position 345, C replaced by T.
Protein change: p.Asp115=; no amino-acid change (aspartic acid 115 retained).
Molecular consequence: synonymous variant. On other transcripts: intron variant (1).
Genome position (GRCh38, 1-based): chr19:4,818,033, G>A on the plus strand (C>T on the coding strand, the complement: TICAM1 is on the minus strand). VCF-style: chr19-4818033-G-A. GRCh37 (hg19) VCF-style: chr19-4818045-G-A.
Other names: c.345C>T (NM_182919.3); c.303C>T, p.Asp101= (NM_001385678.1); c.210C>T, p.Asp70= (NM_001385679.1); c.-71-227C>T (NM_001385680.1).
Identifiers: ClinVar variation 1115494 (VCV001115494.35), dbSNP rs781668575, ClinGen allele CA9105378.

ClinVar aggregate classification (germline): Likely benign. Review status: criteria provided, multiple submitters, no conflicts (2 of 4 stars). 4 submissions from 4 submitters: Likely benign (3). 1 of the submissions does not count toward it. Last evaluated 2026-01-30.

Conditions:
Encephalopathy, acute, infection-induced (herpes-specific), susceptibility to, 6. Also called: Herpes simplex encephalitis, susceptibility to, 4. Identifiers: Orphanet 1930, MedGen C3553869, MONDO:0013921, OMIM 614850.
TICAM1-related disorder. Also called: TICAM1-related condition.

Allele frequency attached by ClinVar (database versions not stated): TOPMed 0.00007; ExAC 0.00017; gnomAD exomes 0.00020 and 0.00006; gnomAD 0.00005.
gnomAD v4.1: 101 of 1,609,780 alleles (0.0063%); highest among the groups gnomAD compares: Admixed American, 0.093%; no homozygotes.

Submissions (4):

Labcorp Genetics (formerly Invitae), Labcorp
Classification: Likely benign for Encephalopathy, acute, infection-induced (herpes-specific), susceptibility to, 6. Last evaluated: 2026-01-30. Review status: criteria provided, single submitter. Criteria: Invitae Variant Classification Sherloc (09022015). Collection method: clinical testing. Allele origin: germline.

CeGaT Center for Human Genetics Tuebingen
Classification: Likely benign. Last evaluated: 2023-10-01. Review status: criteria provided, single submitter. Criteria: CeGaT Center For Human Genetics Tuebingen Variant Classification Criteria Version 2. Collection method: clinical testing. Allele origin: germline. Affected: yes. Observed: 1 variant allele.
Comment: TICAM1: BP4, BP7

Blueprint Genetics
Classification: Likely benign. Last evaluated: 2022-12-23. Review status: criteria provided, single submitter. Criteria: ACMG Guidelines, 2015. Collection method: clinical testing. Allele origin: germline.

PreventionGenetics, part of Exact Sciences
Classification: Likely benign for TICAM1-related condition. Last evaluated: 2020-06-12. Review status: no assertion criteria provided. Collection method: clinical testing. Allele origin: germline. Not counted in ClinVar's aggregate classification.
Comment: This variant is classified as likely benign based on ACMG/AMP sequence variant interpretation guidelines (Richards et al. 2015 PMID: 25741868, with internal and published modifications).